The following is an entry in ClinVar:

ClinVar aggregate classification (germline): Uncertain significance (1 of 4 stars; one submission).

Submission:

GeneDx
Classification: Uncertain significance. Last evaluated: 2024-09-18. Review status: criteria provided, single submitter. Criteria: GeneDx Variant Classification Process June 2021. Collection method: clinical testing. Allele origin: germline. Affected: yes.
Comment: Not observed at significant frequency in large population cohorts (gnomAD); In silico analysis supports that this missense variant does not alter protein structure/function; Has not been previously published as pathogenic or benign to our knowledge

NM_021964.3(ZNF148):c.156G>C (p.Met52Ile)

Gene: ZNF148 (zinc finger protein 148; minus strand). Cytogenetic location: 3q21.2.
Variant type: single nucleotide variant.
Coding change: c.156G>C on transcript NM_021964.3 (MANE Select); coding-DNA position 156, G replaced by C.
Protein change: p.Met52Ile; replaces methionine 52 with isoleucine.
Molecular consequence: missense variant.
Genome position (GRCh38, 1-based): chr3:125,313,485, C>G on the plus strand (G>C on the coding strand, the complement: ZNF148 is on the minus strand). VCF-style: chr3-125313485-C-G. GRCh37 (hg19) VCF-style: chr3-125032329-C-G.
Other names: c.156G>C, p.Met52Ile (NM_001348424.1, NM_001348425.2, NM_001348426.2 and 9 more transcripts); short protein forms M52I.
Identifiers: ClinVar variation 3774016 (VCV003774016.1).
Genomic context (GRCh38, chr3:125,313,485, plus strand): 5'-CTGTTGTCTCATTTCACTTTCTTGTAACACTTCATCTGCAGCAAGGATCTCCTGGTGAGG[C>G]ATACTTCGATCTTGAAGTACTGAATCCTGTAGCTCTCCAGACACAGTAGACTGGCCAGAC-3'
Protein context (NP_068799.2, residues 42-62): LQDSVLQDRS[Met52Ile]PHQEILAADE